The following is an entry in ClinVar:

NM_001354712.2(THRB):c.1293A>G (p.Ile431Met)

Gene: THRB (thyroid hormone receptor beta; minus strand). Cytogenetic location: 3p24.2.
Variant type: single nucleotide variant.
Coding change: c.1293A>G on transcript NM_001354712.2 (MANE Select); coding-DNA position 1293, A replaced by G.
Protein change: p.Ile431Met; replaces isoleucine 431 with methionine.
Molecular consequence: missense variant.
Genome position (GRCh38, 1-based): chr3:24,122,977, T>C on the plus strand (A>G on the coding strand, the complement: THRB is on the minus strand). VCF-style: chr3-24122977-T-C. GRCh37 (hg19) VCF-style: chr3-24164468-T-C.
Other names: c.1293A>G, p.Ile431Met (NM_000461.5, NM_001128176.3, NM_001128177.2 and 6 more transcripts); c.1200A>G, p.Ile400Met (NM_001354714.2, NM_001354715.2); short protein forms I431M, I400M.
Identifiers: ClinVar variation 492920 (VCV000492920.2), dbSNP rs1553609195, ClinGen allele CA351886639.

ClinVar aggregate classification (germline): Pathogenic. Review status: criteria provided, single submitter (1 of 4 stars). 2 submissions from 2 submitters: Pathogenic (1). 1 of the submissions does not count toward it. Last evaluated 2025-01-23.

Conditions:
Thyroid hormone resistance, generalized, autosomal dominant (GRTHD). Also called: HYPERTHYROXINEMIA, FAMILIAL EUTHYROID, SECONDARY TO PITUITARY AND PERIPHERAL RESISTANCE TO THYROID HORMONES. Identifiers: MedGen C2937288, MONDO:0008569, OMIM 188570.
Hyperthyroidism. Identifiers: MedGen C0020550, MONDO:0004425, HP:0000836.

Submissions (2):

Cambridge Genomics Laboratory, East Genomic Laboratory Hub, NHS Genomic Medicine Service
Classification: Pathogenic for Hyperthyroidism. Last evaluated: 2025-01-23. Review status: criteria provided, single submitter. Criteria: ACGS Best Practice Guidelines for Variant Classification in Rare Disease 2020. Collection method: clinical testing. Allele origin: germline. Affected: yes.
Comment: PS3_Supporting,PS4_Moderate,PM1_Supporting,PM2,PM5,PP1_Strong,PP3,PP4

Clinical Molecular Genetics Laboratory, Johns Hopkins All Children's Hospital
Classification: Uncertain significance for Thyroid hormone resistance, generalized, autosomal dominant. Last evaluated: 2009-09-18. Review status: no assertion criteria provided. Collection method: clinical testing. Allele origin: germline. Affected: yes. Not counted in ClinVar's aggregate classification.